The following is an entry in ClinVar:

ClinVar aggregate classification (germline): Likely pathogenic (1 of 4 stars; one submission).

Conditions:
Hypercholesterolemia, familial, 4 (FHCL4). Also called: HYPERCHOLESTEROLEMIA, AUTOSOMAL RECESSIVE, 1; HYPERCHOLESTEROLEMIA, AUTOSOMAL RECESSIVE, 2. Identifiers: Orphanet 391665, MedGen C1863512, MONDO:0011374, OMIM 603813.

Submission:

Labcorp Genetics (formerly Invitae), Labcorp
Classification: Likely pathogenic for Hypercholesterolemia, familial, 4. Last evaluated: 2023-02-16. Review status: criteria provided, single submitter. Criteria: Invitae Variant Classification Sherloc (09022015). Collection method: clinical testing. Allele origin: germline.
Comment: This sequence change affects a donor splice site in intron 3 of the LDLRAP1 gene. It is expected to disrupt RNA splicing. Variants that disrupt the donor or acceptor splice site typically lead to a loss of protein function (PMID: 16199547), and loss-of-function variants in LDLRAP1 are known to be pathogenic (PMID: 11326085, 12464675). In summary, the currently available evidence indicates that the variant is pathogenic, but additional data are needed to prove that conclusively. Therefore, this variant has been classified as Likely Pathogenic. Algorithms developed to predict the effect of sequence changes on RNA splicing suggest that this variant may disrupt the consensus splice site. This variant has not been reported in the literature in individuals affected with LDLRAP1-related conditions. This variant is not present in population databases (gnomAD no frequency).

Literature cited by the submitters: PubMed 16199547; PubMed 11326085; PubMed 12464675.

NM_015627.3(LDLRAP1):c.344+2T>C

Gene: LDLRAP1 (low density lipoprotein receptor adaptor protein 1; plus strand). Cytogenetic location: 1p36.11.
Variant type: single nucleotide variant.
Coding change: c.344+2T>C on transcript NM_015627.3 (MANE Select); the canonical splice donor site of the intron after coding-DNA position 344, T replaced by C.
Molecular consequence: splice donor variant.
Genome position (GRCh38, 1-based): chr1:25,554,974, T>C. VCF-style: chr1-25554974-T-C. GRCh37 (hg19) VCF-style: chr1-25881465-T-C.
Identifiers: ClinVar variation 2976227 (VCV002976227.3), dbSNP rs2524003925, ClinGen allele CA339078550.